The following is an entry in ClinVar:

ClinVar aggregate classification (germline): Uncertain significance (1 of 4 stars; one submission).

Conditions:
Dilated cardiomyopathy 1G (CMD1G). Identifiers: Orphanet 154, MedGen C1858763, MONDO:0011400, OMIM 604145.
Autosomal recessive limb-girdle muscular dystrophy type 2J (LGMDR10). Also called: Limb-girdle muscular dystrophy, type 2J; MUSCULAR DYSTROPHY, LIMB-GIRDLE, AUTOSOMAL RECESSIVE 10. Identifiers: Orphanet 140922, MedGen C1837342, MONDO:0012127, OMIM 608807.

Submission:

Labcorp Genetics (formerly Invitae), Labcorp
Classification: Uncertain significance for Dilated cardiomyopathy 1G; Autosomal recessive limb-girdle muscular dystrophy type 2J. Last evaluated: 2024-02-26. Review status: criteria provided, single submitter. Criteria: Invitae Variant Classification Sherloc (09022015). Collection method: clinical testing. Allele origin: germline.
Comment: This sequence change replaces valine, which is neutral and non-polar, with alanine, which is neutral and non-polar, at codon 35589 of the TTN protein (p.Val35589Ala). This variant is not present in population databases (gnomAD no frequency). This variant has not been reported in the literature in individuals affected with TTN-related conditions. Experimental studies and prediction algorithms are not available or were not evaluated, and the functional significance of this variant is currently unknown. This variant is located in the M band of TTN (PMID: 25589632). Non-truncating variants in this region may be relevant for neuromuscular disorders, but have not been definitively shown to cause cardiomyopathy (PMID: 23975875). In summary, the available evidence is currently insufficient to determine the role of this variant in disease. Therefore, it has been classified as a Variant of Uncertain Significance.

Literature cited by the submitters: PubMed 25589632; PubMed 23975875.

NM_001267550.2(TTN):c.106766T>C (p.Val35589Ala)

Genes: TTN-AS1 (TTN antisense RNA 1; plus strand), TTN (titin; minus strand). Cytogenetic location: 2q31.2.
Variant type: single nucleotide variant.
Coding change: c.106766T>C on transcript NM_001267550.2 (MANE Select); coding-DNA position 106766, T replaced by C.
Protein change: p.Val35589Ala; replaces valine 35589 with alanine.
Molecular consequence: missense variant.
Genome position (GRCh38, 1-based): chr2:178,528,985, A>G on the plus strand (T>C on the coding strand, the complement: TTN is on the minus strand). VCF-style: chr2-178528985-A-G. GRCh37 (hg19) VCF-style: chr2-179393712-A-G.
Other names: c.101843T>C, p.Val33948Ala (NM_001256850.1); c.79571T>C, p.Val26524Ala (NM_003319.4); c.99062T>C, p.Val33021Ala (NM_133378.4); c.79946T>C, p.Val26649Ala (NM_133432.3); c.80147T>C, p.Val26716Ala (NM_133437.4); short protein forms V26524A, V26716A, V33021A, V35589A, V26649A, V33948A.
Identifiers: ClinVar variation 2921338 (VCV002921338.3), dbSNP rs2468307279, ClinGen allele CA349403167.